The following is an entry in ClinVar:

NM_000138.5(FBN1):c.498T>G (p.Cys166Trp)

Gene: FBN1 (fibrillin 1; minus strand). Cytogenetic location: 15q21.1.
Variant type: single nucleotide variant.
Coding change: c.498T>G on transcript NM_000138.5 (MANE Select); coding-DNA position 498, T replaced by G.
Protein change: p.Cys166Trp; replaces cysteine 166 with tryptophan.
Molecular consequence: missense variant.
Genome position (GRCh38, 1-based): chr15:48,596,323, A>C on the plus strand (T>G on the coding strand, the complement: FBN1 is on the minus strand). VCF-style: chr15-48596323-A-C. GRCh37 (hg19) VCF-style: chr15-48888520-A-C.
Other names: c.498T>G, p.Cys166Trp (NM_001406716.1, NM_001406717.1); short protein forms C166W.
Identifiers: ClinVar variation 3775879 (VCV003775879.1).

ClinVar aggregate classification (germline): Uncertain significance (1 of 4 stars; one submission).

Conditions:
Marfan syndrome (MFS). Also called: MARFAN SYNDROME, TYPE I; Marfan syndrome type 1; Marfan's syndrome; Marfan syndrome, classic; FBN1-Related Marfan Syndrome. Identifiers: Orphanet 284963, Orphanet 558, MedGen C0024796, MONDO:0007947, OMIM 154700.

Submission:

3billion
Classification: Uncertain significance for Marfan syndrome. Last evaluated: 2023-12-04. Review status: criteria provided, single submitter. Criteria: ACMG Guidelines, 2015. Collection method: clinical testing. Allele origin: germline. Affected: yes.
Comment: The variant is not observed in the gnomAD v2.1.1 dataset. Predicted Consequence/Location: Missense variant In silico tool predictions suggest damaging effect of the variant on gene or gene product [REVEL: 0.92 (>=0.6, sensitivity 0.68 and specificity 0.92); 3Cnet: 0.98 (>=0.6, sensitivity 0.72 and precision 0.9)]. Different missense changes at the same codon (p.Cys166Arg, p.Cys166Phe, p.Cys166Ser, p.Cys166Tyr) have been reported as pathogenic/likely pathogenic with strong evidence (ClinVar ID: VCV000042377, VCV000519737, VCV000803098, VCV001331456 /PMID: 14695540, 28941062, 31098894, 7611299, 9016526). Therefore, this variant is classified as VUS according to the recommendation of ACMG/AMP guideline.

Literature cited by the submitters: PubMed 14695540.